The following is an entry in ClinVar:

ClinVar aggregate classification (germline): Uncertain significance (1 of 4 stars; one submission).

Conditions:
Hereditary cancer-predisposing syndrome. Also called: Neoplastic Syndromes, Hereditary; Tumor predisposition; Hereditary Cancer Syndrome; Hereditary neoplastic syndrome. Identifiers: Orphanet 140162, MedGen C0027672, MeSH D009386, MONDO:0015356.

Submission:

Ambry Genetics
Classification: Uncertain significance for Hereditary cancer-predisposing syndrome. Last evaluated: 2022-05-23. Review status: criteria provided, single submitter. Criteria: Ambry Variant Classification Scheme 2023. Collection method: clinical testing. Allele origin: germline.
Comment: The p.E645G variant (also known as c.1934A>G), located in coding exon 4 of the MSH6 gene, results from an A to G substitution at nucleotide position 1934. The glutamic acid at codon 645 is replaced by glycine, an amino acid with similar properties. This amino acid position is not well conserved in available vertebrate species. In addition, the in silico prediction for this alteration is inconclusive. Since supporting evidence is limited at this time, the clinical significance of this alteration remains unclear.

NM_000179.3(MSH6):c.1934A>G (p.Glu645Gly)

Gene: MSH6 (mutS homolog 6; plus strand). Cytogenetic location: 2p16.3.
Variant type: single nucleotide variant.
Coding change: c.1934A>G on transcript NM_000179.3 (MANE Select); coding-DNA position 1934, A replaced by G.
Protein change: p.Glu645Gly; replaces glutamic acid 645 with glycine.
Molecular consequence: missense variant.
Genome position (GRCh38, 1-based): chr2:47,799,917, A>G. VCF-style: chr2-47799917-A-G. GRCh37 (hg19) VCF-style: chr2-48027056-A-G.
Other names: c.1544A>G, p.Glu515Gly (NM_001281492.2); c.1028A>G, p.Glu343Gly (NM_001281493.2, NM_001281494.2, NM_001406811.1 and 6 more transcripts); c.2030A>G, p.Glu677Gly (NM_001406795.1, NM_001406802.1); c.1934A>G, p.Glu645Gly (NM_001406796.1, NM_001406798.1, NM_001406800.1 and 3 more transcripts); c.1637A>G, p.Glu546Gly (NM_001406797.1, NM_001406801.1, NM_001406805.1 and 10 more transcripts); c.1409A>G, p.Glu470Gly (NM_001406799.1, NM_001406806.1, NM_001406807.1); c.1856A>G, p.Glu619Gly (NM_001406804.1); c.1940A>G, p.Glu647Gly (NM_001406813.1); and 1 more; short protein forms E515G, E546G, E343G, E470G, E619G, E645G, E589G, E647G.
Identifiers: ClinVar variation 1782928 (VCV001782928.2), dbSNP rs2104377216, ClinGen allele CA346750407.
Genomic context (GRCh38, chr2:47,799,917, plus strand): 5'-CCCAGTTTTGGGATGCATCCAAAACTTTGAGAACTCTCCTTGAGGAAGAATATTTTAGGG[A>G]AAAGCTAAGTGATGGCATTGGGGTGATGTTACCCCAGGTGCTTAAAGGTATGACTTCAGA-3'
Protein context (NP_000170.1, residues 635-655): RTLLEEEYFR[Glu645Gly]KLSDGIGVML